The following is an entry in ClinVar:

NM_001128159.3(VPS53):c.487G>A (p.Glu163Lys)

Gene: VPS53 (VPS53 subunit of GARP complex; minus strand). Cytogenetic location: 17p13.3.
Variant type: single nucleotide variant.
Coding change: c.487G>A on transcript NM_001128159.3 (MANE Select); coding-DNA position 487, G replaced by A.
Protein change: p.Glu163Lys; replaces glutamic acid 163 with lysine.
Molecular consequence: missense variant. On other transcripts: 5 prime UTR variant (1).
Genome position (GRCh38, 1-based): chr17:655,839, C>T on the plus strand (G>A on the coding strand, the complement: VPS53 is on the minus strand). VCF-style: chr17-655839-C-T. GRCh37 (hg19) VCF-style: chr17-559079-C-T.
Other names: c.487G>A, p.Glu163Lys (NM_001366253.2); c.-206G>A (NM_001366254.2); c.400G>A, p.Glu134Lys (NM_018289.4); short protein forms E134K, E163K.
Identifiers: ClinVar variation 3369680 (VCV003369680.1).

ClinVar aggregate classification (germline): Uncertain significance (1 of 4 stars; one submission).

gnomAD v4.1: 3 of 1,611,436 alleles (0.00019%); highest among the groups gnomAD compares: South Asian, 0.0011%; no homozygotes.

Submission:

GeneDx
Classification: Uncertain significance. Last evaluated: 2024-03-08. Review status: criteria provided, single submitter. Criteria: GeneDx Variant Classification Process June 2021. Collection method: clinical testing. Allele origin: germline. Affected: yes.
Comment: Not observed at significant frequency in large population cohorts (gnomAD); In silico analysis supports that this missense variant does not alter protein structure/function; Has not been previously published as pathogenic or benign to our knowledge